The following is an entry in ClinVar:

ClinVar aggregate classification (germline): Uncertain significance (1 of 4 stars; one submission).

Conditions:
Episodic ataxia type 2 (EA2). Also called: ATAXIA, EPISODIC, WITH NYSTAGMUS; ATAXIA, FAMILIAL PAROXYSMAL; ACETAZOLAMIDE-RESPONSIVE HEREDITARY PAROXYSMAL CEREBELLAR ATAXIA; CEREBELLAR ATAXIA, PAROXYSMAL, ACETAZOLAMIDE-RESPONSIVE; CEREBELLOPATHY, HEREDITARY PAROXYSMAL; EPISODIC ATAXIA, NYSTAGMUS-ASSOCIATED. Identifiers: Orphanet 97, MedGen C1720416, MONDO:0007163, OMIM 108500.
Developmental and epileptic encephalopathy, 42 (DEE42A). Also called: Epileptic encephalopathy, early infantile, 42; DEVELOPMENTAL AND EPILEPTIC ENCEPHALOPATHY 42A; EPILEPTIC ENCEPHALOPATHY, EARLY INFANTILE, 42A. Identifiers: MedGen C4310716, MONDO:0014917, OMIM 617106.

Submission:

Labcorp Genetics (formerly Invitae), Labcorp
Classification: Uncertain significance for Developmental and epileptic encephalopathy, 42; Episodic ataxia type 2. Last evaluated: 2025-01-30. Review status: criteria provided, single submitter. Criteria: Invitae Variant Classification Sherloc (09022015). Collection method: clinical testing. Allele origin: germline.
Comment: This sequence change falls in intron 12 of the CACNA1A gene. It does not directly change the encoded amino acid sequence of the CACNA1A protein. This variant is not present in population databases (gnomAD no frequency). This variant has not been reported in the literature in individuals affected with CACNA1A-related conditions. Algorithms developed to predict the effect of sequence changes on RNA splicing suggest that this variant may disrupt the consensus splice site. In summary, the available evidence is currently insufficient to determine the role of this variant in disease. Therefore, it has been classified as a Variant of Uncertain Significance.

NM_001127222.2(CACNA1A):c.1669-9C>G

Gene: CACNA1A (calcium voltage-gated channel subunit alpha1 A; minus strand). Cytogenetic location: 19p13.13.
Variant type: single nucleotide variant.
Coding change: c.1669-9C>G on transcript NM_001127222.2 (MANE Select); 9 bases into the intron before coding-DNA position 1669, C replaced by G.
Molecular consequence: intron variant.
Genome position (GRCh38, 1-based): chr19:13,308,537, G>C on the plus strand (C>G on the coding strand, the complement: CACNA1A is on the minus strand). VCF-style: chr19-13308537-G-C. GRCh37 (hg19) VCF-style: chr19-13419351-G-C.
Other names: c.1672-9C>G (NM_001127221.2, NM_001174080.2, NM_000068.4 and 1 more transcripts).
Identifiers: ClinVar variation 3760469 (VCV003760469.2).